The following is an entry in ClinVar:

NM_198253.3(TERT):c.2885G>T (p.Arg962Leu)

Gene: TERT (telomerase reverse transcriptase; minus strand). Cytogenetic location: 5p15.33.
Variant type: single nucleotide variant.
Coding change: c.2885G>T on transcript NM_198253.3 (MANE Select); coding-DNA position 2885, G replaced by T.
Protein change: p.Arg962Leu; replaces arginine 962 with leucine.
Molecular consequence: missense variant. On other transcripts: non-coding transcript variant (2).
Genome position (GRCh38, 1-based): chr5:1,260,559, C>A on the plus strand (G>T on the coding strand, the complement: TERT is on the minus strand). VCF-style: chr5-1260559-C-A. GRCh37 (hg19) VCF-style: chr5-1260674-C-A.
Other names: c.2696G>T, p.Arg899Leu (NM_001193376.3); c.2885G>T, p.Arg962Leu (NM_003219.1); short protein forms R962L, R899L.
Identifiers: ClinVar variation 1797217 (VCV001797217.2), dbSNP rs759490631, ClinGen allele CA359070259.

ClinVar aggregate classification (germline): Uncertain significance (1 of 4 stars; one submission).

Conditions:
Dyskeratosis congenita. Identifiers: Orphanet 1775, MedGen C0265965, MONDO:0015780.

Submission:

Ambry Genetics
Classification: Uncertain significance for Dyskeratosis congenita. Last evaluated: 2022-02-02. Review status: criteria provided, single submitter. Criteria: Ambry Variant Classification Scheme 2023. Collection method: clinical testing. Allele origin: germline.
Comment: The p.R962L variant (also known as c.2885G>T), located in coding exon 12 of the TERT gene, results from a G to T substitution at nucleotide position 2885. The arginine at codon 962 is replaced by leucine, an amino acid with dissimilar properties. This amino acid position is conserved. In addition, this alteration is predicted to be tolerated by in silico analysis. Since supporting evidence is limited at this time, the clinical significance of this alteration remains unclear.